The following is an entry in ClinVar:

NM_177438.3(DICER1):c.255C>G (p.Ile85Met)

Gene: DICER1 (dicer 1, ribonuclease III; minus strand). Cytogenetic location: 14q32.13.
Variant type: single nucleotide variant.
Coding change: c.255C>G on transcript NM_177438.3 (MANE Select); coding-DNA position 255, C replaced by G.
Protein change: p.Ile85Met; replaces isoleucine 85 with methionine.
Molecular consequence: missense variant.
Genome position (GRCh38, 1-based): chr14:95,132,567, G>C on the plus strand (C>G on the coding strand, the complement: DICER1 is on the minus strand). VCF-style: chr14-95132567-G-C. GRCh37 (hg19) VCF-style: chr14-95598904-G-C.
Other names: c.255C>G, p.Ile85Met (NM_001195573.1, NM_001271282.3, NM_001291628.2 and 1 more transcripts); short protein forms I85M.
Identifiers: ClinVar variation 242065 (VCV000242065.23), dbSNP rs763422772, ClinGen allele CA7331706.

ClinVar aggregate classification (germline): Conflicting classifications of pathogenicity. Review status: criteria provided, conflicting classifications (1 of 4 stars). 6 submissions from 6 submitters: Uncertain significance (1); Benign (1); Likely benign (3). 1 of the submissions does not count toward it. Last evaluated 2026-02-03.

Conditions:
DICER1-related disorder. Also called: DICER1-related condition.
DICER1-related tumor predisposition. Also called: DICER1 syndrome; DICER1-related pleuropulmonary blastoma cancer predisposition syndrome. Identifiers: Orphanet 284343, MedGen C3839822, MONDO:0100216.
Hereditary cancer-predisposing syndrome. Also called: Neoplastic Syndromes, Hereditary; Tumor predisposition; Hereditary neoplastic syndrome; Hereditary Cancer Syndrome. Identifiers: Orphanet 140162, MedGen C0027672, MeSH D009386, MONDO:0015356.

Allele frequency attached by ClinVar (database versions not stated): gnomAD 0.00001 and 0.00002; gnomAD exomes 0.00004 and 0.00017; TOPMed 0.00008; ExAC 0.00018.
gnomAD v4.1: 55 of 1,613,842 alleles (0.0034%); highest among the groups gnomAD compares: Admixed American, 0.087%; no homozygotes.

Submissions (6):

Labcorp Genetics (formerly Invitae), Labcorp
Classification: Benign for DICER1-related tumor predisposition. Last evaluated: 2026-02-03. Review status: criteria provided, single submitter. Criteria: Invitae Variant Classification Sherloc (09022015). Collection method: clinical testing. Allele origin: germline.

Quest Diagnostics Nichols Institute San Juan Capistrano
Classification: Likely benign. Last evaluated: 2022-10-28. Review status: criteria provided, single submitter. Criteria: Quest Diagnostics criteria. Collection method: clinical testing. Allele origin: unknown.

Sema4
Classification: Uncertain significance for Hereditary cancer-predisposing syndrome. Last evaluated: 2021-10-19. Review status: criteria provided, single submitter. Criteria: Sema4 Curation Guidelines. Collection method: curation. Allele origin: germline.
Comment: The DICER1 c.255C>G (p.I85M) variant has been reported in at least one individual with Wilms Tumor (PMID: 25670082). It was observed in 42/34582 chromosomes of the Latino subpopulation in the large and broad cohorts of the Genome Aggregation Database (PMID: 32461654). The variant has been reported in ClinVar (Variation ID 242065). Functional studies have not been performed, and in silico predictions of the variant's effect on protein function are inconclusive. The evidence is insufficient to meet ACMG/AMP criteria for classifying the variant as benign or pathogenic. Thus, the clinical significance of this variant is currently uncertain.

Ambry Genetics
Classification: Likely benign for Hereditary cancer-predisposing syndrome. Last evaluated: 2020-07-13. Review status: criteria provided, single submitter. Criteria: Ambry Variant Classification Scheme 2023. Collection method: clinical testing. Allele origin: germline.

Foulkes Cancer Genetics LDI, Lady Davis Institute for Medical Research
Classification: Likely benign. Last evaluated: 2019-07-01. Review status: criteria provided, single submitter. Criteria: ACMG Guidelines, 2015. Collection method: curation. Allele origin: germline, unknown. Affected: yes. Observed: 2 variant alleles.
Comment: ACMG criteria met: BS1, BP1, BP4

PreventionGenetics, part of Exact Sciences
Classification: Likely benign for DICER1-related condition. Last evaluated: 2020-08-03. Review status: no assertion criteria provided. Collection method: clinical testing. Allele origin: germline. Not counted in ClinVar's aggregate classification.
Comment: This variant is classified as likely benign based on ACMG/AMP sequence variant interpretation guidelines (Richards et al. 2015 PMID: 25741868, with internal and published modifications).

Literature cited by the submitters: PubMed 25670082 (cited by 4 submitters); PubMed 24909261 (cited by Quest Diagnostics Nichols Institute San Juan Capistrano and Foulkes Cancer Genetics LDI, Lady Davis Institute for Medical Research); PubMed 28748527 (cited by Quest Diagnostics Nichols Institute San Juan Capistrano).